The following is an entry in ClinVar:

NM_032043.3(BRIP1):c.3702T>G (p.Phe1234Leu)

Gene: BRIP1 (BRCA1 interacting DNA helicase 1; minus strand). Cytogenetic location: 17q23.2.
Variant type: single nucleotide variant.
Coding change: c.3702T>G on transcript NM_032043.3 (MANE Select); coding-DNA position 3702, T replaced by G.
Protein change: p.Phe1234Leu; replaces phenylalanine 1234 with leucine.
Molecular consequence: missense variant.
Genome position (GRCh38, 1-based): chr17:61,683,344, A>C on the plus strand (T>G on the coding strand, the complement: BRIP1 is on the minus strand). VCF-style: chr17-61683344-A-C. GRCh37 (hg19) VCF-style: chr17-59760705-A-C.
Other names: short protein forms F1234L.
Identifiers: ClinVar variation 1055606 (VCV001055606.10), dbSNP rs2061296981, ClinGen allele CA400477789.
Genomic context (GRCh38, chr17:61,683,344, plus strand): 5'-AGTTAAGTATTATTACTTAAAACCAGGAAACATGCCTTTATTTTTGGAAGGAGATGGTTT[A>C]AAGTTCTTTATTTCTATTTCATGAGTTTTTCCCAGTTCCAGTTCATTTATCCAAGTTGTT-3'
Protein context (NP_114432.2, residues 1224-1244): GKTHEIEIKN[Phe1234Leu]KPSPSKNKGM

ClinVar aggregate classification (germline): Uncertain significance (1 of 4 stars; one submission).

Conditions:
Fanconi anemia complementation group J. Also called: BRIP1-Related Fanconi Anemia. Identifiers: Orphanet 84, MedGen C1836860, MONDO:0012187, OMIM 609054.
Familial cancer of breast. Also called: hereditary breast carcinoma; Hereditary breast cancer; BREAST CANCER, FAMILIAL. Identifiers: Orphanet 227535, MedGen C0346153, MONDO:0016419, OMIM 114480. Disease mechanism: loss of function.

Submission:

Labcorp Genetics (formerly Invitae), Labcorp
Classification: Uncertain significance for Familial cancer of breast; Fanconi anemia complementation group J. Last evaluated: 2025-10-06. Review status: criteria provided, single submitter. Criteria: Invitae Variant Classification Sherloc (09022015). Collection method: clinical testing. Allele origin: germline.
Comment: This sequence change replaces phenylalanine, which is neutral and non-polar, with leucine, which is neutral and non-polar, at codon 1234 of the BRIP1 protein (p.Phe1234Leu). This variant is not present in population databases (gnomAD no frequency). This variant has not been reported in the literature in individuals affected with BRIP1-related conditions. ClinVar contains an entry for this variant (Variation ID: 1055606). Invitae Evidence Modeling of protein sequence and biophysical properties (such as structural, functional, and spatial information, amino acid conservation, physicochemical variation, residue mobility, and thermodynamic stability) indicates that this missense variant is not expected to disrupt BRIP1 protein function with a negative predictive value of 95%. In summary, the available evidence is currently insufficient to determine the role of this variant in disease. Therefore, it has been classified as a Variant of Uncertain Significance.